The following is an entry in ClinVar:

NM_006231.4(POLE):c.2026+18_2026+62del

Gene: POLE (DNA polymerase epsilon, catalytic subunit; minus strand). Cytogenetic location: 12q24.33.
Variant type: Deletion.
Coding change: c.2026+18_2026+62del on transcript NM_006231.4 (MANE Select); bases 18 to 62 of the intron after coding-DNA position 2026, 45 bases deleted.
Molecular consequence: splice donor variant.
Genome position (GRCh38, 1-based): chr12:132,668,573-132,668,617, 45 bases deleted; deleting any 45 consecutive bases within chr12:132,668,573-132,668,634 gives the same sequence; the c. name uses the placement nearest the transcript's 3' end. GRCh37 (hg19): chr12:133,245,176-133,245,220.
Identifiers: ClinVar variation 421344 (VCV000421344.8), dbSNP rs1064795073, ClinGen allele CA16619472.

ClinVar aggregate classification (germline): Likely benign. Review status: criteria provided, multiple submitters, no conflicts (2 of 4 stars). 2 submissions from 2 submitters: Likely benign (2). Last evaluated 2026-01-17.

Submissions (2):

Labcorp Genetics (formerly Invitae), Labcorp
Classification: Likely benign. Last evaluated: 2026-01-17. Review status: criteria provided, single submitter. Criteria: Invitae Variant Classification Sherloc (09022015). Collection method: clinical testing. Allele origin: germline.

GeneDx
Classification: Likely benign. Last evaluated: 2017-06-06. Review status: criteria provided, single submitter. Criteria: GeneDx Variant Classification (06012015). Collection method: clinical testing. Allele origin: germline. Affected: yes.
Comment: This variant is considered likely benign or benign based on one or more of the following criteria: it is a conservative change, it occurs at a poorly conserved position in the protein, it is predicted to be benign by multiple in silico algorithms, and/or has population frequency not consistent with disease.